The following is an entry in ClinVar:

ClinVar aggregate classification (germline): Uncertain significance (1 of 4 stars; one submission).

Conditions:
Hereditary sensory and autonomic neuropathy type 1 (HSAN1). Also called: HSAN 1; HSN Type I; Hereditary Sensory Neuropathy Type I. Identifiers: Orphanet 36386, MedGen C0020071, MONDO:0018213.

Allele frequency attached by ClinVar (database versions not stated): ESP Exome Variant Server 0.00008; gnomAD exomes below 0.00001; ExAC 0.00001.

Submission:

Labcorp Genetics (formerly Invitae), Labcorp
Classification: Uncertain significance for Hereditary sensory and autonomic neuropathy type 1. Last evaluated: 2024-06-11. Review status: criteria provided, single submitter. Criteria: Invitae Variant Classification Sherloc (09022015). Collection method: clinical testing. Allele origin: germline.
Comment: This sequence change creates a premature translational stop signal (p.Gln47Lysfs*14) in the SPTLC1 gene. It is expected to result in an absent or disrupted protein product. However, the current clinical and genetic evidence is not sufficient to establish whether loss-of-function variants in SPTLC1 cause disease. This variant is present in population databases (rs772853294, gnomAD 0.002%). This variant has not been reported in the literature in individuals affected with SPTLC1-related conditions. ClinVar contains an entry for this variant (Variation ID: 580492). In summary, the available evidence is currently insufficient to determine the role of this variant in disease. Therefore, it has been classified as a Variant of Uncertain Significance.

NM_006415.4(SPTLC1):c.139del (p.Gln47fs)

Gene: SPTLC1 (serine palmitoyltransferase long chain base subunit 1; minus strand). Cytogenetic location: 9q22.31.
Variant type: Deletion.
Coding change: c.139del on transcript NM_006415.4 (MANE Select); coding-DNA position 139, one base deleted (C; older notation c.139delC).
Protein change: p.Gln47fs; shifts the reading frame from glutamine 47.
Molecular consequence: frameshift variant. On other transcripts: 5 prime UTR variant (2).
Genome position (GRCh38, 1-based): chr9:92,112,481, G deleted on the plus strand (C on the coding strand, the reverse complement: SPTLC1 is on the minus strand). VCF-style (leftmost placement, unchanged base first): chr9-92112480-TG-T. GRCh37 (hg19) VCF-style: chr9-94874762-TG-T.
Other names: c.139del, p.Gln47fs (NM_001281303.2, NM_178324.3); c.-361del (NM_001368272.1); c.-327del (NM_001368273.1); c.139del (NM_006415.3); short protein forms Q47fs.
Identifiers: ClinVar variation 580492 (VCV000580492.7), dbSNP rs772853294, ClinGen allele CA5121672.